The following is an entry in ClinVar:

ClinVar aggregate classification (germline): Uncertain significance (1 of 4 stars; one submission).

Conditions:
Rhabdoid tumor predisposition syndrome 2 (RTPS2). Identifiers: Orphanet 231108, Orphanet 69077, MedGen C2750074, MONDO:0013224, OMIM 613325.

Submission:

Labcorp Genetics (formerly Invitae), Labcorp
Classification: Uncertain significance for Rhabdoid tumor predisposition syndrome 2. Last evaluated: 2019-01-29. Review status: criteria provided, single submitter. Criteria: Invitae Variant Classification Sherloc (09022015). Collection method: clinical testing. Allele origin: germline.
Comment: In summary, the available evidence is currently insufficient to determine the role of this variant in disease. Therefore, it has been classified as a Variant of Uncertain Significance. Algorithms developed to predict the effect of missense changes on protein structure and function are either unavailable or do not agree on the potential impact of this missense change (SIFT: "Deleterious"; PolyPhen-2: "Possibly Damaging"; Align-GVGD: "Class C0"). This variant has not been reported in the literature in individuals with SMARCA4-related conditions. This variant is not present in population databases (ExAC no frequency). This sequence change replaces phenylalanine with leucine at codon 806 of the SMARCA4 protein (p.Phe806Leu). The phenylalanine residue is moderately conserved and there is a small physicochemical difference between phenylalanine and leucine.

NM_003072.5(SMARCA4):c.2418C>A (p.Phe806Leu)

Gene: SMARCA4 (SWI/SNF related BAF chromatin remodeling complex subunit ATPase 4; plus strand). Cytogenetic location: 19p13.2.
Variant type: single nucleotide variant.
Coding change: c.2418C>A on transcript NM_003072.5 (MANE Select); coding-DNA position 2418, C replaced by A.
Protein change: p.Phe806Leu; replaces phenylalanine 806 with leucine.
Molecular consequence: missense variant. On other transcripts: non-coding transcript variant (1).
Genome position (GRCh38, 1-based): chr19:11,013,092, C>A. VCF-style: chr19-11013092-C-A. GRCh37 (hg19) VCF-style: chr19-11123768-C-A.
Other names: c.2418C>A, p.Phe806Leu (NM_001128844.3, NM_001128845.2, NM_001128846.2 and 4 more transcripts); short protein forms F806L.
Identifiers: ClinVar variation 847323 (VCV000847323.9), dbSNP rs770432256, ClinGen allele CA404053324.
Genomic context (GRCh38, chr19:11,013,092, plus strand): 5'-CATCCAGACCATCGCGCTCATCACGTACCTCATGGAGCACAAACGCATCAATGGGCCCTT[C>A]CTCATCATCGTGCCTCTCTCGTGAGTACCCGCTGCCAGCAACATCCCACACGCCGCTCAC-3'
Protein context (NP_003063.2, residues 796-816): LMEHKRINGP[Phe806Leu]LIIVPLSTLS